The following is an entry in ClinVar:

ClinVar aggregate classification (germline): Benign. Review status: criteria provided, multiple submitters, no conflicts (2 of 4 stars). 10 submissions from 10 submitters: Benign (7). 3 of the submissions do not count toward it. Last evaluated 2026-02-03.

Conditions:
Hypertrophic cardiomyopathy 26. Also called: Cardiomyopathy, familial hypertrophic, 26. Identifiers: Orphanet 75249, MedGen C4310749, MONDO:0014883, OMIM 617047.
Distal myopathy with posterior leg and anterior hand involvement. Also called: WILLIAMS DISTAL MYOPATHY. Identifiers: Orphanet 63273, MedGen C3279722, MONDO:0013550, OMIM 614065.
Myofibrillar myopathy 5. Also called: Filaminopathy (type); FILAMINOPATHY, AUTOSOMAL DOMINANT. Identifiers: Orphanet 171445, MedGen C1836050, MONDO:0012289, OMIM 609524.

Submissions (10):

Labcorp Genetics (formerly Invitae), Labcorp
Classification: Benign for Distal myopathy with posterior leg and anterior hand involvement; Myofibrillar myopathy 5; Hypertrophic cardiomyopathy 26. Last evaluated: 2026-02-03. Review status: criteria provided, single submitter. Criteria: Invitae Variant Classification Sherloc (09022015). Collection method: clinical testing. Allele origin: germline.

Molecular Diagnostic Laboratory for Inherited Cardiovascular Disease, Montreal Heart Institute
Classification: Benign. Last evaluated: 2025-04-09. Review status: criteria provided, single submitter. Criteria: ACMG Guidelines, 2015. Collection method: clinical testing. Allele origin: germline. Affected: no.

Women's Health and Genetics/Laboratory Corporation of America, LabCorp
Classification: Benign. Last evaluated: 2025-03-07. Review status: criteria provided, single submitter. Criteria: LabCorp Variant Classification Summary - May 2015. Collection method: clinical testing. Allele origin: germline.

Mayo Clinic Laboratories, Mayo Clinic
Classification: Benign. Last evaluated: 2025-01-20. Review status: criteria provided, single submitter. Criteria: ACMG Guidelines, 2015. Collection method: clinical testing. Allele origin: germline. Observed: 6 variant alleles.
Comment: BS1, BS2

Blueprint Genetics
Classification: Benign. Last evaluated: 2024-11-27. Review status: criteria provided, single submitter. Criteria: ACMG Guidelines, 2015. Collection method: clinical testing. Allele origin: germline.

GeneDx
Classification: Benign. Last evaluated: 2016-07-19. Review status: criteria provided, single submitter. Criteria: GeneDx Variant Classification Process June 2021. Collection method: clinical testing. Allele origin: germline. Affected: yes.

Eurofins Ntd Llc (ga)
Classification: Benign. Last evaluated: 2014-12-17. Review status: criteria provided, single submitter. Criteria: EGL Classification Definitions 2015. Collection method: clinical testing. Allele origin: germline. Observed: 3 variant alleles, 3 heterozygotes.

Clinical Genetics DNA and cytogenetics Diagnostics Lab, Erasmus MC, Erasmus Medical Center
Classification: Benign. Review status: no assertion criteria provided. Collection method: clinical testing. Allele origin: germline. Affected: yes. Study: VKGL Data-share Consensus. Not counted in ClinVar's aggregate classification.

Clinical Genetics, Academic Medical Center
Classification: Benign. Review status: no assertion criteria provided. Collection method: clinical testing. Allele origin: germline. Affected: yes. Study: VKGL Data-share Consensus. Not counted in ClinVar's aggregate classification.

Joint Genome Diagnostic Labs from Nijmegen and Maastricht, Radboudumc and MUMC+
Classification: Benign. Review status: no assertion criteria provided. Collection method: clinical testing. Allele origin: germline. Affected: yes. Study: VKGL Data-share Consensus. Not counted in ClinVar's aggregate classification.

NM_001458.5(FLNC):c.4737+9_4737+10del

Gene: FLNC (filamin C; plus strand). Cytogenetic location: 7q32.1.
Variant type: Microsatellite.
Coding change: c.4737+9_4737+10del on transcript NM_001458.5 (MANE Select); bases 9 to 10 of the intron after coding-DNA position 4737, 2 bases deleted (CT; older notation c.4737+9_4737+10delCT).
Molecular consequence: intron variant.
Genome position (GRCh38, 1-based): chr7:128,848,726-128,848,727, CT deleted; deleting any 2 consecutive bases within chr7:128,848,723-128,848,727 gives the same sequence; the c. name uses the placement nearest the transcript's 3' end. VCF-style (leftmost placement, unchanged base first): chr7-128848722-GTC-G. GRCh37 (hg19) VCF-style: chr7-128488776-GTC-G.
Other names: p.?; c.4737+9_4737+10delCT (NM_001458.4, NM_001458.5); c.4737+9_4737+10del (NM_001127487.2).
Identifiers: ClinVar variation 196015 (VCV000196015.24), dbSNP rs794727437, ClinGen allele CA202081.